The following is an entry in ClinVar:

NM_000455.5(STK11):c.195_198del (p.Glu65fs)

Gene: STK11 (serine/threonine kinase 11; plus strand). Cytogenetic location: 19p13.3.
Variant type: Deletion.
Coding change: c.195_198del on transcript NM_000455.5 (MANE Select); coding-DNA positions 195 to 198, 4 bases deleted (GGTG; older notation c.195_198delGGTG).
Protein change: p.Glu65fs; shifts the reading frame from glutamic acid 65.
Molecular consequence: frameshift variant.
Genome position (GRCh38, 1-based): chr19:1,207,108-1,207,111, GGTG deleted. VCF-style (leftmost placement, unchanged base first): chr19-1207107-AGGTG-A. GRCh37 (hg19) VCF-style: chr19-1207106-AGGTG-A.
Other names: c.195_198delGGTG (NM_000455.4); short protein forms E65fs.
Identifiers: ClinVar variation 428772 (VCV000428772.5), dbSNP rs1131690936, ClinGen allele CA645369766.

ClinVar aggregate classification (germline): Pathogenic (1 of 4 stars; one submission).

Conditions:
Hereditary cancer-predisposing syndrome. Also called: Hereditary Cancer Syndrome; Neoplastic Syndromes, Hereditary; Hereditary neoplastic syndrome; Tumor predisposition. Identifiers: Orphanet 140162, MedGen C0027672, MeSH D009386, MONDO:0015356.

Submission:

Ambry Genetics
Classification: Pathogenic for Hereditary cancer-predisposing syndrome. Last evaluated: 2016-03-11. Review status: criteria provided, single submitter. Criteria: Ambry Variant Classification Scheme 2023. Collection method: clinical testing. Allele origin: germline.
Comment: The c.195_198delGGTG pathogenic mutation, located in coding exon 1 of the STK11 gene, results from a deletion of 4 nucleotides from nucleotide positions 195 to 198, causing a translational frameshift with a predicted alternate stop codon. Since frameshifts are typically deleterious in nature, this alteration is interpreted as a disease-causing mutation (ACMG Recommendations for Standards for Interpretation and Reporting of Sequence Variations. Revision 2007. Genet Med. 2008;10:294).